The following is an entry in ClinVar:

ClinVar aggregate classification (germline): Uncertain significance (1 of 4 stars; one submission).

Conditions:
Autosomal dominant nonsyndromic hearing loss 65. Also called: Deafness, autosomal dominant 65; TBC1D24-Related Autosomal Dominant Nonsyndromic Hearing Loss (DFNA). Identifiers: Orphanet 90635, MedGen C3892048, MONDO:0014470, OMIM 616044.
Developmental and epileptic encephalopathy, 1 (DEE1). Also called: X-linked infantile spasms; West's syndrome; Tonic spasms with clustering, arrest of psychomotor development and hypsarrhythmia on EEG; X-Linked Infantile Spasm Syndrome; OHTAHARA SYNDROME, X-LINKED; INFANTILE SPASM SYNDROME, X-LINKED 1. Identifiers: MedGen C3463992, MONDO:0010632, OMIM 308350. Disease mechanism: loss of function.

gnomAD v4.1: 2 of 1,608,856 alleles (0.00012%); highest among the groups gnomAD compares: South Asian, 0.0022%; no homozygotes.

Submission:

Labcorp Genetics (formerly Invitae), Labcorp
Classification: Uncertain significance for Developmental and epileptic encephalopathy, 1; Autosomal dominant nonsyndromic hearing loss 65. Last evaluated: 2022-10-17. Review status: criteria provided, single submitter. Criteria: Invitae Variant Classification Sherloc (09022015). Collection method: clinical testing. Allele origin: germline.
Comment: This sequence change replaces glycine, which is neutral and non-polar, with glutamic acid, which is acidic and polar, at codon 520 of the TBC1D24 protein (p.Gly520Glu). In summary, the available evidence is currently insufficient to determine the role of this variant in disease. Therefore, it has been classified as a Variant of Uncertain Significance. Advanced modeling of protein sequence and biophysical properties (such as structural, functional, and spatial information, amino acid conservation, physicochemical variation, residue mobility, and thermodynamic stability) performed at Invitae indicates that this missense variant is not expected to disrupt TBC1D24 protein function. This variant has not been reported in the literature in individuals affected with TBC1D24-related conditions. This variant is not present in population databases (gnomAD no frequency).

NM_001199107.2(TBC1D24):c.1559G>A (p.Gly520Glu)

Gene: TBC1D24 (TBC1 domain family member 24; plus strand). Cytogenetic location: 16p13.3.
Variant type: single nucleotide variant.
Coding change: c.1559G>A on transcript NM_001199107.2 (MANE Select); coding-DNA position 1559, G replaced by A.
Protein change: p.Gly520Glu; replaces glycine 520 with glutamic acid.
Molecular consequence: missense variant.
Genome position (GRCh38, 1-based): chr16:2,500,837, G>A. VCF-style: chr16-2500837-G-A. GRCh37 (hg19) VCF-style: chr16-2550838-G-A.
Other names: c.1541G>A, p.Gly514Glu (NM_020705.3); short protein forms G520E, G514E.
Identifiers: ClinVar variation 2157874 (VCV002157874.4), dbSNP rs2065787220, ClinGen allele CA394381566.